The following is an entry in ClinVar:

NM_001267550.2(TTN):c.58155C>A (p.Pro19385=)

Genes: TTN (titin; minus strand), TTN-AS1 (TTN antisense RNA 1; plus strand). Cytogenetic location: 2q31.2.
Variant type: single nucleotide variant.
Coding change: c.58155C>A on transcript NM_001267550.2 (MANE Select); coding-DNA position 58155, C replaced by A.
Protein change: p.Pro19385=; no amino-acid change (proline 19385 retained).
Molecular consequence: synonymous variant.
Genome position (GRCh38, 1-based): chr2:178,594,238, G>T on the plus strand (C>A on the coding strand, the complement: TTN is on the minus strand). VCF-style: chr2-178594238-G-T. GRCh37 (hg19) VCF-style: chr2-179458965-G-T.
Other names: c.50451C>A, p.Pro16817= (NM_133378.4); c.53232C>A, p.Pro17744= (NM_001256850.1); c.30960C>A, p.Pro10320= (NM_003319.4); c.31335C>A, p.Pro10445= (NM_133432.3); c.31536C>A, p.Pro10512= (NM_133437.4).
Identifiers: ClinVar variation 228111 (VCV000228111.27), dbSNP rs373587801, ClinGen allele CA1992907.

ClinVar aggregate classification (germline): Benign/Likely benign. Review status: criteria provided, multiple submitters, no conflicts (2 of 4 stars). 10 submissions from 7 submitters: Benign (6); Likely benign (3). 1 of the submissions does not count toward it. Last evaluated 2026-01-24.

Conditions:
Autosomal recessive limb-girdle muscular dystrophy type 2J (LGMDR10). Also called: Limb-girdle muscular dystrophy, type 2J; MUSCULAR DYSTROPHY, LIMB-GIRDLE, AUTOSOMAL RECESSIVE 10. Identifiers: Orphanet 140922, MedGen C1837342, MONDO:0012127, OMIM 608807.
TTN-related disorder. Also called: TTN-related disorders; TTN-related condition; TTN-related disease.
Cardiovascular phenotype. Identifiers: MedGen CN230736.
Dilated cardiomyopathy 1G (CMD1G). Identifiers: Orphanet 154, MedGen C1858763, MONDO:0011400, OMIM 604145.
Tibial muscular dystrophy (TMD). Also called: Udd Distal Myopathy – Tibial Muscular Dystrophy; Tibial muscular dystrophy, tardive; UDD MYOPATHY. Identifiers: Orphanet 609, MedGen C1838244, MONDO:0010870, OMIM 600334.
Early-onset myopathy with fatal cardiomyopathy (CMYO5). Also called: CONGENITAL MYOPATHY 5 WITH CARDIOMYOPATHY; Salih Myopathy. Identifiers: Orphanet 289377, MedGen C2673677, MONDO:0012714, OMIM 611705. Disease mechanism: loss of function.
Myopathy, myofibrillar, 9, with early respiratory failure (MFM9). Also called: Hereditary myopathy with early respiratory failure; EDSTROM MYOPATHY; Myopathy, distal, with early respiratory failure, autosomal dominant; MYOPATHY, PROXIMAL, WITH EARLY RESPIRATORY MUSCLE INVOLVEMENT. Identifiers: Orphanet 178464, Orphanet 34521, MedGen C1863599, MONDO:0011362, OMIM 603689.

Allele frequency attached by ClinVar (database versions not stated): gnomAD exomes 0.00004 and 0.00011; ExAC 0.00013; 1000 Genomes Project 0.00020; 1000 Genomes Project 30x 0.00031; gnomAD 0.00050 and 0.00056; ESP Exome Variant Server 0.00059; TOPMed 0.00062.
gnomAD v4.1: 140 of 1,605,956 alleles (0.0087%); highest among the groups gnomAD compares: African/African-American, 0.17%; no homozygotes.

Submissions (10):

Labcorp Genetics (formerly Invitae), Labcorp
Classification: Benign for Dilated cardiomyopathy 1G; Autosomal recessive limb-girdle muscular dystrophy type 2J. Last evaluated: 2026-01-24. Review status: criteria provided, single submitter. Criteria: Invitae Variant Classification Sherloc (09022015). Collection method: clinical testing. Allele origin: germline.

Blueprint Genetics
Classification: Likely benign. Last evaluated: 2024-11-25. Review status: criteria provided, single submitter. Criteria: ACMG Guidelines, 2015. Collection method: clinical testing. Allele origin: germline.

Genome-Nilou Lab
Classification: Benign for Autosomal recessive limb-girdle muscular dystrophy type 2J. Last evaluated: 2021-09-10. Review status: criteria provided, single submitter. Criteria: ACMG Guidelines, 2015. Collection method: clinical testing. Allele origin: germline. Affected: no.

Genome-Nilou Lab
Classification: Benign for Myopathy, myofibrillar, 9, with early respiratory failure. Last evaluated: 2021-09-10. Review status: criteria provided, single submitter. Criteria: ACMG Guidelines, 2015. Collection method: clinical testing. Allele origin: germline. Affected: no.

Genome-Nilou Lab
Classification: Benign for Early-onset myopathy with fatal cardiomyopathy. Last evaluated: 2021-09-10. Review status: criteria provided, single submitter. Criteria: ACMG Guidelines, 2015. Collection method: clinical testing. Allele origin: germline. Affected: no.

Genome-Nilou Lab
Classification: Benign for Tibial muscular dystrophy. Last evaluated: 2021-09-10. Review status: criteria provided, single submitter. Criteria: ACMG Guidelines, 2015. Collection method: clinical testing. Allele origin: germline. Affected: no.

Ambry Genetics
Classification: Benign for Cardiovascular phenotype. Last evaluated: 2020-02-12. Review status: criteria provided, single submitter. Criteria: Ambry Variant Classification Scheme 2023. Collection method: clinical testing. Allele origin: germline.

Eurofins Ntd Llc (ga)
Classification: Likely benign. Last evaluated: 2017-04-06. Review status: criteria provided, single submitter. Criteria: EGL Classification Definitions 2015. Collection method: clinical testing. Allele origin: germline. Observed: 2 variant alleles, 2 heterozygotes.

Laboratory for Molecular Medicine, Mass General Brigham Personalized Medicine
Classification: Likely benign. Last evaluated: 2012-03-19. Review status: criteria provided, single submitter. Criteria: LMM Criteria. Collection method: clinical testing. Allele origin: germline. Observed: 2 variant alleles.
Comment: p.Pro16817Pro in exon 246 of TTN: This variant is not expected to have clinical significance because it does not alter an amino acid residue and is not located within the splice consensus sequence. It has been identified in 0.15% (35/23860) of African chromosomes by the Genome Aggregation Database (gnomAD, d.; dbSNP rs373587801).

PreventionGenetics, part of Exact Sciences
Classification: Likely benign for TTN-related condition. Last evaluated: 2019-02-19. Review status: no assertion criteria provided. Collection method: clinical testing. Allele origin: germline. Not counted in ClinVar's aggregate classification.
Comment: This variant is classified as likely benign based on ACMG/AMP sequence variant interpretation guidelines (Richards et al. 2015 PMID: 25741868, with internal and published modifications).